The following is an entry in ClinVar:

ClinVar aggregate classification (germline): Uncertain significance. Review status: criteria provided, multiple submitters, no conflicts (2 of 4 stars). 2 submissions from 2 submitters: Uncertain significance (2). Last evaluated 2026-09-11.

Conditions:
Cardiovascular phenotype. Identifiers: MedGen CN230736.

Submissions (2):

Ambry Genetics
Classification: Uncertain significance for Cardiovascular phenotype. Last evaluated: 2026-09-11. Review status: criteria provided, single submitter. Criteria: Ambry Variant Classification Scheme 2023. Collection method: clinical testing. Allele origin: germline.
Comment: The p.D3993G variant (also known as c.11978A>G), located in coding exon 28 of the APOB gene, results from an A to G substitution at nucleotide position 11978. The aspartic acid at codon 3993 is replaced by glycine, an amino acid with similar properties. This amino acid position is conserved. In addition, this alteration is predicted to be tolerated by in silico analysis. Based on the available evidence, the clinical significance of this variant remains unclear.

GeneDx
Classification: Uncertain significance. Last evaluated: 2025-04-08. Review status: criteria provided, single submitter. Criteria: GeneDx Variant Classification Process June 2021. Collection method: clinical testing. Allele origin: germline. Affected: yes.
Comment: Not observed at significant frequency in large population cohorts (gnomAD); In silico analysis supports that this missense variant has a deleterious effect on protein structure/function; Has not been previously published as pathogenic or benign to our knowledge

NM_000384.3(APOB):c.11978A>G (p.Asp3993Gly)

Gene: APOB (apolipoprotein B; minus strand). Cytogenetic location: 2p24.1.
Variant type: single nucleotide variant.
Coding change: c.11978A>G on transcript NM_000384.3 (MANE Select); coding-DNA position 11978, A replaced by G.
Protein change: p.Asp3993Gly; replaces aspartic acid 3993 with glycine.
Molecular consequence: missense variant.
Genome position (GRCh38, 1-based): chr2:21,004,378, T>C on the plus strand (A>G on the coding strand, the complement: APOB is on the minus strand). VCF-style: chr2-21004378-T-C. GRCh37 (hg19) VCF-style: chr2-21227250-T-C.
Other names: short protein forms D3993G.
Identifiers: ClinVar variation 3308276 (VCV003308276.3).